The following is an entry in ClinVar:

ClinVar aggregate classification (germline): Uncertain significance (1 of 4 stars; one submission).

Allele frequency attached by ClinVar (database versions not stated): gnomAD 0.00001; ExAC 0.00003.
gnomAD v4.1: 14 of 1,613,732 alleles (0.00087%); highest among the groups gnomAD compares: South Asian, 0.0022%; no homozygotes.

Submission:

Labcorp Genetics (formerly Invitae), Labcorp
Classification: Uncertain significance. Last evaluated: 2023-02-16. Review status: criteria provided, single submitter. Criteria: Invitae Variant Classification Sherloc (09022015). Collection method: clinical testing. Allele origin: germline.
Comment: An algorithm developed to predict the effect of missense changes on protein structure and function (PolyPhen-2) suggests that this variant is likely to be tolerated. In summary, the available evidence is currently insufficient to determine the role of this variant in disease. Therefore, it has been classified as a Variant of Uncertain Significance. This variant has not been reported in the literature in individuals affected with AP3B2-related conditions. This variant is present in population databases (rs747320940, gnomAD 0.003%). This sequence change replaces glutamic acid, which is acidic and polar, with lysine, which is basic and polar, at codon 782 of the AP3B2 protein (p.Glu782Lys).

NM_001278512.2(AP3B2):c.2401G>A (p.Glu801Lys)

Genes: AP3B2 (adaptor related protein complex 3 subunit beta 2; minus strand), CPEB1-AS1 (CPEB1 antisense RNA 1; plus strand). Cytogenetic location: 15q25.2.
Variant type: single nucleotide variant.
Coding change: c.2401G>A on transcript NM_001278512.2 (MANE Select); coding-DNA position 2401, G replaced by A.
Protein change: p.Glu801Lys; replaces glutamic acid 801 with lysine.
Molecular consequence: missense variant.
Genome position (GRCh38, 1-based): chr15:82,663,836, C>T on the plus strand (G>A on the coding strand, the complement: AP3B2 is on the minus strand). VCF-style: chr15-82663836-C-T. GRCh37 (hg19) VCF-style: chr15-83332588-C-T.
Other names: c.2248G>A, p.Glu750Lys (NM_001278511.2); c.2344G>A, p.Glu782Lys (NM_004644.5); short protein forms E750K, E801K, E782K.
Identifiers: ClinVar variation 2170499 (VCV002170499.4), dbSNP rs747320940, ClinGen allele CA7699930.